The following is an entry in ClinVar:

ClinVar aggregate classification (germline): Conflicting classifications of pathogenicity. Review status: criteria provided, conflicting classifications (1 of 4 stars). 3 submissions from 3 submitters: Uncertain significance (1); Likely benign (2). Last evaluated 2025-12-14.

Conditions:
Hereditary cancer-predisposing syndrome. Also called: Tumor predisposition; Neoplastic Syndromes, Hereditary; Hereditary Cancer Syndrome; Hereditary neoplastic syndrome. Identifiers: Orphanet 140162, MedGen C0027672, MeSH D009386, MONDO:0015356.
Hereditary breast ovarian cancer syndrome. Also called: BRCA1- and BRCA2-Associated Hereditary Breast and Ovarian Cancer; Hereditary breast and ovarian cancer syndrome; Hereditary breast and ovarian cancer syndrome (HBOC); Breast and ovarian cancer; Hereditary breast and ovarian cancer; Hereditary breast and/or ovarian cancer syndrome. Identifiers: Orphanet 145, MedGen C0677776, MeSH D061325, MONDO:0003582. Disease mechanism: loss of function.

Submissions (3):

Labcorp Genetics (formerly Invitae), Labcorp
Classification: Likely benign for Hereditary breast ovarian cancer syndrome. Last evaluated: 2025-12-14. Review status: criteria provided, single submitter. Criteria: Invitae Variant Classification Sherloc (09022015). Collection method: clinical testing. Allele origin: germline.

Quest Diagnostics Nichols Institute San Juan Capistrano
Classification: Uncertain significance. Last evaluated: 2024-12-03. Review status: criteria provided, single submitter. Criteria: Quest Diagnostics criteria. Collection method: clinical testing. Allele origin: unknown.
Comment: The BRCA1 c.1996C>T (p.Leu666=) synonymous variant has not been reported in individuals with BRCA1-related conditions in the published literature. It also has not been reported in large, multi-ethnic general populations (Genome Aggregation Database). Analysis of this variant using software algorithms for the prediction of the effect of nucleotide changes on splicing yielded predictions that this variant does not affect BRCA1 mRNA splicing. Based on the available information, we are unable to determine the clinical significance of this variant.

Ambry Genetics
Classification: Likely benign for Hereditary cancer-predisposing syndrome. Last evaluated: 2023-04-07. Review status: criteria provided, single submitter. Criteria: Ambry Variant Classification Scheme 2023. Collection method: clinical testing. Allele origin: germline.

NM_007294.4(BRCA1):c.1996C>T (p.Leu666=)

Gene: BRCA1 (BRCA1 DNA repair associated; minus strand). Cytogenetic location: 17q21.31.
Variant type: single nucleotide variant.
Coding change: c.1996C>T on transcript NM_007294.4 (MANE Select); coding-DNA position 1996, C replaced by T.
Protein change: p.Leu666=; no amino-acid change (leucine 666 retained).
Molecular consequence: synonymous variant. On other transcripts: intron variant (137).
Genome position (GRCh38, 1-based): chr17:43,093,535, G>A on the plus strand (C>T on the coding strand, the complement: BRCA1 is on the minus strand). VCF-style: chr17-43093535-G-A. GRCh37 (hg19) VCF-style: chr17-41245552-G-A.
Other names: c.1993C>T, p.Leu665= (NM_001407612.1, NM_001407613.1, NM_001407614.1 and 22 more transcripts); c.1996C>T, p.Leu666= (NM_001407616.1, NM_001407617.1, NM_001407618.1 and 30 more transcripts); c.1855C>T, p.Leu619= (NM_001407724.1, NM_001407725.1, NM_001407726.1 and 29 more transcripts); c.1729C>T, p.Leu577= (NM_001407932.1, NM_001407934.1, NM_001407936.1 and 2 more transcripts); c.1732C>T, p.Leu578= (NM_001407933.1, NM_001407935.1, NM_001407920.1 and 9 more transcripts); c.1795C>T, p.Leu599= (NM_001407862.1); c.1873C>T, p.Leu625= (NM_001407863.1, NM_001407937.1, NM_001407938.1 and 19 more transcripts); c.1792C>T, p.Leu598= (NM_001407874.1, NM_001407875.1); and 40 more.
Identifiers: ClinVar variation 763520 (VCV000763520.16), dbSNP rs1555590709, ClinGen allele CA500233151.